The following is an entry in ClinVar:

ClinVar aggregate classification (germline): Uncertain significance (1 of 4 stars; one submission).

Submission:

Ambry Genetics
Classification: Uncertain significance. Last evaluated: 2021-12-01. Review status: criteria provided, single submitter. Criteria: Ambry Variant Classification Scheme 2023. Collection method: clinical testing. Allele origin: germline.
Comment: The p.L2187S variant (also known as c.6560T>C), located in coding exon 22 of the POLQ gene, results from a T to C substitution at nucleotide position 6560. The leucine at codon 2187 is replaced by serine, an amino acid with dissimilar properties. This amino acid position is conserved. In addition, the in silico prediction for this alteration is inconclusive. Since supporting evidence is limited at this time, the clinical significance of this alteration remains unclear.

NM_199420.4(POLQ):c.6560T>C (p.Leu2187Ser)

Gene: POLQ (DNA polymerase theta; minus strand). Cytogenetic location: 3q13.33.
Variant type: single nucleotide variant.
Coding change: c.6560T>C on transcript NM_199420.4 (MANE Select); coding-DNA position 6560, T replaced by C.
Protein change: p.Leu2187Ser; replaces leucine 2187 with serine.
Molecular consequence: missense variant.
Genome position (GRCh38, 1-based): chr3:121,472,148, A>G on the plus strand (T>C on the coding strand, the complement: POLQ is on the minus strand). VCF-style: chr3-121472148-A-G. GRCh37 (hg19) VCF-style: chr3-121190995-A-G.
Other names: short protein forms L2187S.
Identifiers: ClinVar variation 1754207 (VCV001754207.2), dbSNP rs2546773569, ClinGen allele CA354085622.